The following is an entry in ClinVar:

ClinVar aggregate classification (germline): Uncertain significance. Review status: criteria provided, multiple submitters, no conflicts (2 of 4 stars). 4 submissions from 4 submitters: Uncertain significance (3). 1 of the submissions does not count toward it. Last evaluated 2026-02-26.

Conditions:
Charlevoix-Saguenay spastic ataxia (SACS). Also called: SPASTIC ATAXIA 6, AUTOSOMAL RECESSIVE; AUTOSOMAL RECESSIVE SPASTIC ATAXIA OF CHARLEVOIX-SAGUENAY; Spastic ataxia of Charlevoix-Saguenay. Identifiers: Orphanet 98, MedGen C1849140, MONDO:0010041, OMIM 270550.
Inborn genetic diseases. Identifiers: MedGen C0950123, MeSH D030342.
Spastic paraplegia. Identifiers: MedGen C0037772, HP:0001258.

Submissions (4):

GeneDx
Classification: Uncertain significance. Last evaluated: 2026-02-26. Review status: criteria provided, single submitter. Criteria: GeneDx Variant Classification Process June 2021. Collection method: clinical testing. Allele origin: germline.
Comment: Not observed at significant frequency in large population cohorts (gnomAD); In silico analysis supports that this missense variant has a deleterious effect on protein structure/function; Has not been previously published as pathogenic or benign to our knowledge

Ambry Genetics
Classification: Uncertain significance for Inborn genetic diseases. Last evaluated: 2025-05-16. Review status: criteria provided, single submitter. Criteria: Ambry Variant Classification Scheme 2023. Collection method: clinical testing. Allele origin: germline.

Labcorp Genetics (formerly Invitae), Labcorp
Classification: Uncertain significance for Spastic paraplegia. Last evaluated: 2022-07-19. Review status: criteria provided, single submitter. Criteria: Invitae Variant Classification Sherloc (09022015). Collection method: clinical testing. Allele origin: germline.
Comment: This sequence change replaces histidine, which is basic and polar, with leucine, which is neutral and non-polar, at codon 1953 of the SACS protein (p.His1953Leu). This variant is not present in population databases (gnomAD no frequency). This variant has not been reported in the literature in individuals affected with SACS-related conditions. ClinVar contains an entry for this variant (Variation ID: 528004). Advanced modeling of protein sequence and biophysical properties (such as structural, functional, and spatial information, amino acid conservation, physicochemical variation, residue mobility, and thermodynamic stability) performed at Invitae indicates that this missense variant is not expected to disrupt SACS protein function. In summary, the available evidence is currently insufficient to determine the role of this variant in disease. Therefore, it has been classified as a Variant of Uncertain Significance.

Natera, Inc.
Classification: Uncertain significance for Charlevoix-Saguenay type spastic ataxia. Last evaluated: 2020-09-16. Review status: no assertion criteria provided. Collection method: clinical testing. Allele origin: germline. Not counted in ClinVar's aggregate classification.

NM_014363.6(SACS):c.5858A>T (p.His1953Leu)

Gene: SACS (sacsin molecular chaperone; minus strand). Cytogenetic location: 13q12.12.
Variant type: single nucleotide variant.
Coding change: c.5858A>T on transcript NM_014363.6 (MANE Select); coding-DNA position 5858, A replaced by T.
Protein change: p.His1953Leu; replaces histidine 1953 with leucine.
Molecular consequence: missense variant.
Genome position (GRCh38, 1-based): chr13:23,338,018, T>A on the plus strand (A>T on the coding strand, the complement: SACS is on the minus strand). VCF-style: chr13-23338018-T-A. GRCh37 (hg19) VCF-style: chr13-23912157-T-A.
Other names: c.5858A>T (NM_014363.4); c.5417A>T, p.His1806Leu (NM_001278055.2); short protein forms H1953L, H1806L.
Identifiers: ClinVar variation 528004 (VCV000528004.11), dbSNP rs1428265468, ClinGen allele CA387524514.